The following is an entry in ClinVar:

ClinVar aggregate classification (germline): Uncertain significance (1 of 4 stars; one submission).

gnomAD v4.1: 114 of 1,564,794 alleles (0.0073%); highest among the groups gnomAD compares: Non-Finnish European, 0.0093%; no homozygotes.

Submission:

Labcorp Genetics (formerly Invitae), Labcorp
Classification: Uncertain significance. Last evaluated: 2022-07-12. Review status: criteria provided, single submitter. Criteria: Invitae Variant Classification Sherloc (09022015). Collection method: clinical testing. Allele origin: germline.
Comment: This sequence change replaces leucine, which is neutral and non-polar, with phenylalanine, which is neutral and non-polar, at codon 5 of the PIGU protein (p.Leu5Phe). This variant is present in population databases (rs371637416, gnomAD 0.02%). This variant has not been reported in the literature in individuals affected with PIGU-related conditions. ClinVar contains an entry for this variant (Variation ID: 1447932). Algorithms developed to predict the effect of missense changes on protein structure and function are either unavailable or do not agree on the potential impact of this missense change (SIFT: "Tolerated"; PolyPhen-2: "Not Available"; Align-GVGD: "Class C0"). In summary, the available evidence is currently insufficient to determine the role of this variant in disease. Therefore, it has been classified as a Variant of Uncertain Significance.

NM_080476.5(PIGU):c.15G>C (p.Leu5Phe)

Gene: PIGU (phosphatidylinositol glycan anchor biosynthesis class U; minus strand). Cytogenetic location: 20q11.22.
Variant type: single nucleotide variant.
Coding change: c.15G>C on transcript NM_080476.5 (MANE Select); coding-DNA position 15, G replaced by C.
Protein change: p.Leu5Phe; replaces leucine 5 with phenylalanine.
Molecular consequence: missense variant.
Genome position (GRCh38, 1-based): chr20:34,677,071, C>G on the plus strand (G>C on the coding strand, the complement: PIGU is on the minus strand). VCF-style: chr20-34677071-C-G. GRCh37 (hg19) VCF-style: chr20-33264875-C-G.
Other names: short protein forms L5F.
Identifiers: ClinVar variation 1447932 (VCV001447932.5), dbSNP rs371637416, ClinGen allele CA9822795.
Genomic context (GRCh38, chr20:34,677,071, plus strand): 5'-GGCCAGACTGGAGCGGAACAAGGCCGCCCGCACTGTCACAGCCACCACCAGCACCAGGAC[C>G]AAGGGAGCCGCCATGATAACTGGGGCGGGCGCGCGGGCGGGGAGGGAAGGCGAGGCGGAG-3'
Protein context (NP_536724.1, residues 1-15): MAAP[Leu5Phe]VLVLVVAVTV